The following is an entry in ClinVar:

ClinVar aggregate classification (germline): Uncertain significance. Review status: criteria provided, multiple submitters, no conflicts (2 of 4 stars). 2 submissions from 2 submitters: Uncertain significance (2). Last evaluated 2026-01-04.

Conditions:
Hereditary pancreatitis (PCTT). Also called: Hereditary chronic pancreatitis; PRSS1-Related Hereditary Pancreatitis. Identifiers: Orphanet 676, MedGen C0238339, MONDO:0008185, OMIM 167800.

Allele frequency attached by ClinVar (database versions not stated): gnomAD 0.00001.

Submissions (2):

Labcorp Genetics (formerly Invitae), Labcorp
Classification: Uncertain significance. Last evaluated: 2026-01-04. Review status: criteria provided, single submitter. Criteria: Invitae Variant Classification Sherloc (09022015). Collection method: clinical testing. Allele origin: germline.
Comment: This sequence change replaces arginine, which is basic and polar, with glutamine, which is neutral and polar, at codon 27 of the CPA1 protein (p.Arg27Gln). This variant is present in population databases (rs547564304, gnomAD 0.06%), and has an allele count higher than expected for a pathogenic variant. This missense change has been observed in individual(s) with acute pancreatitis (PMID: 35171259). ClinVar contains an entry for this variant (Variation ID: 1450747). An algorithm developed to predict the effect of missense changes on protein structure and function (PolyPhen-2) suggests that this variant is likely to be disruptive. In summary, the available evidence is currently insufficient to determine the role of this variant in disease. Therefore, it has been classified as a Variant of Uncertain Significance.

Ambry Genetics
Classification: Uncertain significance for Hereditary pancreatitis. Last evaluated: 2025-05-23. Review status: criteria provided, single submitter. Criteria: Ambry Variant Classification Scheme 2023. Collection method: clinical testing. Allele origin: germline.
Comment: The p.R27Q variant (also known as c.80G>A), located in coding exon 2 of the CPA1 gene, results from a G to A substitution at nucleotide position 80. The arginine at codon 27 is replaced by glutamine, an amino acid with highly similar properties. This variant was identified in an individual diagnosed with acute pancreatitis (Yin L et al. JAMA Netw Open, 2022 Feb;5:e2148721). This amino acid position is highly conserved in available vertebrate species. In addition, this alteration is predicted to be tolerated by in silico analysis. Based on the available evidence, the clinical significance of this variant remains unclear.

Literature cited by the submitters: PubMed 35171259 (cited by Labcorp Genetics (formerly Invitae), Labcorp and Ambry Genetics).

NM_001868.4(CPA1):c.80G>A (p.Arg27Gln)

Gene: CPA1 (carboxypeptidase A1; plus strand). Cytogenetic location: 7q32.2.
Variant type: single nucleotide variant.
Coding change: c.80G>A on transcript NM_001868.4 (MANE Select); coding-DNA position 80, G replaced by A.
Protein change: p.Arg27Gln; replaces arginine 27 with glutamine.
Molecular consequence: missense variant.
Genome position (GRCh38, 1-based): chr7:130,381,112, G>A. VCF-style: chr7-130381112-G-A. GRCh37 (hg19) VCF-style: chr7-130020953-G-A.
Other names: short protein forms R27Q.
Identifiers: ClinVar variation 1450747 (VCV001450747.11), dbSNP rs547564304, ClinGen allele CA4484674.